The following is an entry in ClinVar:

NM_001267550.2(TTN):c.2916G>A (p.Pro972=)

Gene: TTN (titin; minus strand). Cytogenetic location: 2q31.2.
Variant type: single nucleotide variant.
Coding change: c.2916G>A on transcript NM_001267550.2 (MANE Select); coding-DNA position 2916, G replaced by A.
Protein change: p.Pro972=; no amino-acid change (proline 972 retained).
Molecular consequence: synonymous variant.
Genome position (GRCh38, 1-based): chr2:178,782,990, C>T on the plus strand (G>A on the coding strand, the complement: TTN is on the minus strand). VCF-style: chr2-178782990-C-T. GRCh37 (hg19) VCF-style: chr2-179647717-C-T.
Other names: c.2916G>A, p.Pro972= (NM_001256850.1, NM_133378.4, NM_133379.5); c.2778G>A, p.Pro926= (NM_003319.4, NM_133432.3, NM_133437.4).
Identifiers: ClinVar variation 466984 (VCV000466984.59), dbSNP rs757569345, ClinGen allele CA2005680.

ClinVar aggregate classification (germline): Conflicting classifications of pathogenicity. Review status: criteria provided, conflicting classifications (1 of 4 stars). 8 submissions from 8 submitters: Uncertain significance (1); Likely benign (7). Last evaluated 2026-01-27.

Conditions:
Cardiovascular phenotype. Identifiers: MedGen CN230736.
TTN-related disorder. Also called: TTN-related disorders; TTN-related condition; TTN-related disease.
Dilated cardiomyopathy 1G (CMD1G). Identifiers: Orphanet 154, MedGen C1858763, MONDO:0011400, OMIM 604145.
Autosomal recessive limb-girdle muscular dystrophy type 2J (LGMDR10). Also called: Limb-girdle muscular dystrophy, type 2J; MUSCULAR DYSTROPHY, LIMB-GIRDLE, AUTOSOMAL RECESSIVE 10. Identifiers: Orphanet 140922, MedGen C1837342, MONDO:0012127, OMIM 608807.

Allele frequency attached by ClinVar (database versions not stated): gnomAD 0.00001 and 0.00003; TOPMed 0.00001; gnomAD exomes 0.00010; ExAC 0.00012.
gnomAD v4.1: 126 of 1,614,106 alleles (0.0078%); highest among the groups gnomAD compares: South Asian, 0.07%; 1 homozygote.

Submissions (8):

PreventionGenetics, part of Exact Sciences
Classification: Likely benign for TTN-related condition. Last evaluated: 2026-01-27. Review status: criteria provided, single submitter. Criteria: ACMG Guidelines, 2015. Collection method: clinical testing. Allele origin: germline.
Comment: This variant is classified as likely benign based on ACMG/AMP sequence variant interpretation guidelines (Richards et al. 2015 PMID: 25741868, with internal and published modifications).

Labcorp Genetics (formerly Invitae), Labcorp
Classification: Likely benign for Dilated cardiomyopathy 1G; Autosomal recessive limb-girdle muscular dystrophy type 2J. Last evaluated: 2026-01-19. Review status: criteria provided, single submitter. Criteria: Invitae Variant Classification Sherloc (09022015). Collection method: clinical testing. Allele origin: germline.

Molecular Diagnostic Laboratory for Inherited Cardiovascular Disease, Montreal Heart Institute
Classification: Likely benign. Last evaluated: 2025-07-24. Review status: criteria provided, single submitter. Criteria: ACMG Guidelines, 2015. Collection method: clinical testing. Allele origin: germline. Affected: no.
Comment: BP7

ARUP Laboratories, Molecular Genetics and Genomics, ARUP Laboratories
Classification: Likely benign. Last evaluated: 2025-04-16. Review status: criteria provided, single submitter. Criteria: ARUP Molecular Germline Variant Investigation Process 2024. Collection method: clinical testing. Allele origin: germline.

Blueprint Genetics
Classification: Likely benign. Last evaluated: 2024-06-10. Review status: criteria provided, single submitter. Criteria: ACMG Guidelines, 2015. Collection method: clinical testing. Allele origin: germline.

CeGaT Center for Human Genetics Tuebingen
Classification: Likely benign. Last evaluated: 2020-08-01. Review status: criteria provided, single submitter. Criteria: CeGaT Center For Human Genetics Tuebingen Variant Classification Criteria Version 2. Collection method: clinical testing. Allele origin: germline. Affected: yes. Observed: 1 variant allele.

Ambry Genetics
Classification: Likely benign for Cardiovascular phenotype. Last evaluated: 2020-07-21. Review status: criteria provided, single submitter. Criteria: Ambry Variant Classification Scheme 2023. Collection method: clinical testing. Allele origin: germline.

Eurofins Ntd Llc (ga)
Classification: Uncertain significance. Last evaluated: 2016-11-11. Review status: criteria provided, single submitter. Criteria: EGL Classification Definitions 2015. Collection method: clinical testing. Allele origin: germline. Observed: 1 variant allele, 1 heterozygote.